The following is an entry in ClinVar:

NM_000548.5(TSC2):c.3114C>A (p.Phe1038Leu)

Gene: TSC2 (TSC complex subunit 2; plus strand). Cytogenetic location: 16p13.3.
Variant type: single nucleotide variant.
Coding change: c.3114C>A on transcript NM_000548.5 (MANE Select); coding-DNA position 3114, C replaced by A.
Protein change: p.Phe1038Leu; replaces phenylalanine 1038 with leucine.
Molecular consequence: missense variant.
Genome position (GRCh38, 1-based): chr16:2,079,179, C>A. VCF-style: chr16-2079179-C-A. GRCh37 (hg19) VCF-style: chr16-2129180-C-A.
Other names: c.2982C>A, p.Phe994Leu (NM_001077183.3, NM_001370404.1); c.3114C>A, p.Phe1038Leu (NM_001114382.3); c.2874C>A, p.Phe958Leu (NM_001318827.2); c.2838C>A, p.Phe946Leu (NM_001318829.2); c.2382C>A, p.Phe794Leu (NM_001318831.2); c.3015C>A, p.Phe1005Leu (NM_001318832.2); c.2985C>A, p.Phe995Leu (NM_001363528.2, NM_001370405.1, NM_021055.3); short protein forms F1038L, F946L, F958L, F994L, F794L, F1005L, F995L.
Identifiers: ClinVar variation 568978 (VCV000568978.8), dbSNP rs1567497089, ClinGen allele CA394284879.

ClinVar aggregate classification (germline): Uncertain significance (1 of 4 stars; one submission).

Conditions:
Tuberous sclerosis 2 (TSC2). Identifiers: Orphanet 805, MedGen C1860707, MONDO:0013199, OMIM 613254.

Allele frequency attached by ClinVar (database versions not stated): gnomAD 0.00001.

Submission:

Labcorp Genetics (formerly Invitae), Labcorp
Classification: Uncertain significance for Tuberous sclerosis 2. Last evaluated: 2025-03-15. Review status: criteria provided, single submitter. Criteria: Invitae Variant Classification Sherloc (09022015). Collection method: clinical testing. Allele origin: germline.
Comment: This sequence change replaces phenylalanine, which is neutral and non-polar, with leucine, which is neutral and non-polar, at codon 1038 of the TSC2 protein (p.Phe1038Leu). This variant is not present in population databases (gnomAD no frequency). This variant has not been reported in the literature in individuals affected with TSC2-related conditions. ClinVar contains an entry for this variant (Variation ID: 568978). Invitae Evidence Modeling of protein sequence and biophysical properties (such as structural, functional, and spatial information, amino acid conservation, physicochemical variation, residue mobility, and thermodynamic stability) indicates that this missense variant is not expected to disrupt TSC2 protein function with a negative predictive value of 95%. In summary, the available evidence is currently insufficient to determine the role of this variant in disease. Therefore, it has been classified as a Variant of Uncertain Significance.